The following is an entry in ClinVar:

NM_017780.4(CHD7):c.5C>A (p.Ala2Glu)

Gene: CHD7 (chromodomain helicase DNA binding protein 7; plus strand). Cytogenetic location: 8q12.2.
Variant type: single nucleotide variant.
Coding change: c.5C>A on transcript NM_017780.4 (MANE Select); coding-DNA position 5, C replaced by A.
Protein change: p.Ala2Glu; replaces alanine 2 with glutamic acid.
Molecular consequence: missense variant.
Genome position (GRCh38, 1-based): chr8:60,741,437, C>A. VCF-style: chr8-60741437-C-A. GRCh37 (hg19) VCF-style: chr8-61653996-C-A.
Other names: c.5C>A, p.Ala2Glu (NM_001316690.1); short protein forms A2E.
Identifiers: ClinVar variation 1028059 (VCV001028059.1), dbSNP rs1809000474, ClinGen allele CA371294999.
Genomic context (GRCh38, chr8:60,741,437, plus strand): 5'-TGAAGCACAGGCAAGCTCCTGAGCTGTGGTTTGGAGGAGCCGTGTGTTGGAAGAAGATGG[C>A]AGATCCAGGAATGATGAGTCTTTTTGGCGAGGATGGGAATATTTTCAGTGAAGGTCTTGA-3'
Protein context (NP_060250.2, residues 1-12): M[Ala2Glu]DPGMMSLFGE

ClinVar aggregate classification (germline): Likely pathogenic (1 of 4 stars; one submission).

Conditions:
Hypogonadotropic hypogonadism 5 with or without anosmia (KAL5). Also called: HYPOGONADOTROPIC HYPOGONADISM 5 WITH ANOSMIA; HYPOGONADOTROPHIC HYPOGONADISM 5 WITHOUT ANOSMIA; CHD7-Related GnRH Deficiency (Kallmann Syndrome 5). Identifiers: Orphanet 478, MedGen C3552553, MONDO:0012880, OMIM 612370. Disease mechanism: loss of function.

Submission:

Baylor Genetics
Classification: Likely pathogenic for Hypogonadotropic hypogonadism 5 with or without anosmia. Last evaluated: 2019-11-08. Review status: criteria provided, single submitter. Criteria: ACMG Guidelines, 2015. Collection method: clinical testing. Allele origin: de novo. Affected: yes.
Comment: This variant was determined to be likely pathogenic according to ACMG Guidelines, 2015 [PMID:25741868].